The following is an entry in ClinVar:

NM_000551.4(VHL):c.81A>C (p.Glu27Asp)

Gene: VHL (von Hippel-Lindau tumor suppressor; plus strand). Cytogenetic location: 3p25.3.
Variant type: single nucleotide variant.
Coding change: c.81A>C on transcript NM_000551.4 (MANE Select); coding-DNA position 81, A replaced by C.
Protein change: p.Glu27Asp; replaces glutamic acid 27 with aspartic acid.
Molecular consequence: missense variant.
Genome position (GRCh38, 1-based): chr3:10,141,928, A>C. VCF-style: chr3-10141928-A-C. GRCh37 (hg19) VCF-style: chr3-10183612-A-C.
Other names: c.81A>C, p.Glu27Asp (NM_001354723.2, NM_198156.3); short protein forms E27D.
Identifiers: ClinVar variation 1762404 (VCV001762404.5), dbSNP rs2125124618, ClinGen allele CA351747482.

ClinVar aggregate classification (germline): Uncertain significance. Review status: criteria provided, multiple submitters, no conflicts (2 of 4 stars). 2 submissions from 2 submitters: Uncertain significance (2). Last evaluated 2024-01-26.

Conditions:
Hereditary cancer-predisposing syndrome. Also called: Neoplastic Syndromes, Hereditary; Tumor predisposition; Hereditary neoplastic syndrome; Hereditary Cancer Syndrome. Identifiers: Orphanet 140162, MedGen C0027672, MeSH D009386, MONDO:0015356.
Chuvash polycythemia. Also called: POLYCYTHEMIA, VHL-DEPENDENT. Identifiers: Orphanet 238557, MedGen C1837915, MONDO:0009892, OMIM 263400.
Von Hippel-Lindau syndrome (VHLS). Also called: von Hippel–Lindau syndrome; VHL syndrome; Von Hippel-Lindau. Identifiers: Orphanet 892, MedGen C0019562, MONDO:0008667, OMIM 193300. Disease mechanism: loss of function.

Submissions (2):

Labcorp Genetics (formerly Invitae), Labcorp
Classification: Uncertain significance for Von Hippel-Lindau syndrome; Chuvash polycythemia. Last evaluated: 2024-01-26. Review status: criteria provided, single submitter. Criteria: Invitae Variant Classification Sherloc (09022015). Collection method: clinical testing. Allele origin: germline.
Comment: This sequence change replaces glutamic acid, which is acidic and polar, with aspartic acid, which is acidic and polar, at codon 27 of the VHL protein (p.Glu27Asp). This variant is not present in population databases (gnomAD no frequency). This variant has not been reported in the literature in individuals affected with VHL-related conditions. ClinVar contains an entry for this variant (Variation ID: 1762404). Advanced modeling of protein sequence and biophysical properties (such as structural, functional, and spatial information, amino acid conservation, physicochemical variation, residue mobility, and thermodynamic stability) performed at Invitae indicates that this missense variant is not expected to disrupt VHL protein function with a negative predictive value of 95%. In summary, the available evidence is currently insufficient to determine the role of this variant in disease. Therefore, it has been classified as a Variant of Uncertain Significance.

Ambry Genetics
Classification: Uncertain significance for Hereditary cancer-predisposing syndrome. Last evaluated: 2021-02-09. Review status: criteria provided, single submitter. Criteria: Ambry Variant Classification Scheme 2023. Collection method: clinical testing. Allele origin: germline.
Comment: The p.E27D variant (also known as c.81A>C), located in coding exon 1 of the VHL gene, results from an A to C substitution at nucleotide position 81. The glutamic acid at codon 27 is replaced by aspartic acid, an amino acid with highly similar properties. This amino acid position is well conserved in available vertebrate species. In addition, this alteration is predicted to be tolerated by in silico analysis. Since supporting evidence is limited at this time, the clinical significance of this alteration remains unclear.